The following is an entry in ClinVar:

ClinVar aggregate classification (germline): Likely benign. Review status: criteria provided, multiple submitters, no conflicts (2 of 4 stars). 2 submissions from 2 submitters: Likely benign (2). Last evaluated 2026-04-01.

gnomAD v4.1: 3 of 1,614,016 alleles (0.00019%); highest among the groups gnomAD compares: Non-Finnish European, 0.00025%; no homozygotes.

Submissions (2):

CeGaT Center for Human Genetics Tuebingen
Classification: Likely benign. Last evaluated: 2026-04-01. Review status: criteria provided, single submitter. Criteria: CeGaT Center For Human Genetics Tuebingen Variant Classification Criteria Version 2. Collection method: clinical testing. Allele origin: germline. Affected: yes. Observed: 1 variant allele.
Comment: SETD2: BP4

Laboratory of Genetics, Children's Clinical University Hospital Latvia
Classification: Likely benign. Last evaluated: 2025-02-16. Review status: criteria provided, single submitter. Criteria: ACMG Guidelines, 2015. Collection method: clinical testing. Allele origin: germline. Affected: yes.

NM_014159.7(SETD2):c.2258T>C (p.Val753Ala)

Gene: SETD2 (SET domain containing 2, histone lysine methyltransferase; minus strand). Cytogenetic location: 3p21.31.
Variant type: single nucleotide variant.
Coding change: c.2258T>C on transcript NM_014159.7 (MANE Select); coding-DNA position 2258, T replaced by C.
Protein change: p.Val753Ala; replaces valine 753 with alanine.
Molecular consequence: missense variant. On other transcripts: non-coding transcript variant (1).
Genome position (GRCh38, 1-based): chr3:47,122,378, A>G on the plus strand (T>C on the coding strand, the complement: SETD2 is on the minus strand). VCF-style: chr3-47122378-A-G. GRCh37 (hg19) VCF-style: chr3-47163868-A-G.
Other names: c.2126T>C, p.Val709Ala (NM_001349370.3); short protein forms V709A, V753A.
Identifiers: ClinVar variation 3910292 (VCV003910292.3).
Genomic context (GRCh38, chr3:47,122,378, plus strand): 5'-GTTTTGGAATAATCCACAGTCATAACTGGCATAGACATGAGTTTATCTTGGTGTGGTGAC[A>G]CCAGAGGTTCTGTTTCTCTAAATGGGCTTTCTGACTTCTTATGCAGCATGCAGGTATCAT-3'
Protein context (NP_054878.5, residues 743-763): ESPFRETEPL[Val753Ala]SPHQDKLMSM